The following is an entry in ClinVar:

NM_000218.3(KCNQ1):c.503G>A (p.Gly168Glu)

Gene: KCNQ1 (potassium voltage-gated channel subfamily Q member 1; plus strand). Cytogenetic location: 11p15.5.
Variant type: single nucleotide variant.
Coding change: c.503G>A on transcript NM_000218.3 (MANE Select); coding-DNA position 503, G replaced by A.
Protein change: p.Gly168Glu; replaces glycine 168 with glutamic acid.
Molecular consequence: missense variant. On other transcripts: intron variant (1).
Genome position (GRCh38, 1-based): chr11:2,570,653, G>A. VCF-style: chr11-2570653-G-A. GRCh37 (hg19) VCF-style: chr11-2591883-G-A.
Other names: c.503G>A, p.Gly168Glu (NM_001406836.1); c.233G>A, p.Gly78Glu (NM_001406837.1); c.122G>A, p.Gly41Glu (NM_181798.2); c.478-12782G>A (NM_001406838.1); short protein forms G168E, G41E, G78E.
Identifiers: ClinVar variation 2720466 (VCV002720466.4), dbSNP rs2493667489, ClinGen allele CA379129841.

ClinVar aggregate classification (germline): Conflicting classifications of pathogenicity. Review status: criteria provided, conflicting classifications (1 of 4 stars). 2 submissions from 2 submitters: Likely pathogenic (1); Uncertain significance (1). Last evaluated 2025-07-27.

Conditions:
Long QT syndrome (LQTS). Identifiers: MedGen C0023976, MeSH D008133, MONDO:0002442. Disease mechanism: loss of function. Inheritance: Various modes of inheritance.
Cardiovascular phenotype. Identifiers: MedGen CN230736.

Submissions (2):

Labcorp Genetics (formerly Invitae), Labcorp
Classification: Likely pathogenic for Long QT syndrome. Last evaluated: 2025-07-27. Review status: criteria provided, single submitter. Criteria: Invitae Variant Classification Sherloc (09022015). Collection method: clinical testing. Allele origin: germline.
Comment: This sequence change replaces glycine, which is neutral and non-polar, with glutamic acid, which is acidic and polar, at codon 168 of the KCNQ1 protein (p.Gly168Glu). This variant is not present in population databases (gnomAD no frequency). This variant has not been reported in the literature in individuals affected with KCNQ1-related conditions. ClinVar contains an entry for this variant (Variation ID: 2720466). Invitae Evidence Modeling of protein sequence and biophysical properties (such as structural, functional, and spatial information, amino acid conservation, physicochemical variation, residue mobility, and thermodynamic stability) indicates that this missense variant is expected to disrupt KCNQ1 protein function with a positive predictive value of 95%. This variant disrupts the p.Gly168 amino acid residue in KCNQ1. Other variant(s) that disrupt this residue have been determined to be pathogenic (PMID: 9693036, 10973849, 17905336, 19490272, 19841300, 23130128). This suggests that this residue is clinically significant, and that variants that disrupt this residue are likely to be disease-causing. In summary, the currently available evidence indicates that the variant is pathogenic, but additional data are needed to prove that conclusively. Therefore, this variant has been classified as Likely Pathogenic.

Ambry Genetics
Classification: Uncertain significance for Cardiovascular phenotype. Last evaluated: 2023-12-14. Review status: criteria provided, single submitter. Criteria: Ambry Variant Classification Scheme 2023. Collection method: clinical testing. Allele origin: germline.
Comment: The p.G168E variant (also known as c.503G>A), located in coding exon 3 of the KCNQ1 gene, results from a G to A substitution at nucleotide position 503. The glycine at codon 168 is replaced by glutamic acid, an amino acid with similar properties. This amino acid position is highly conserved in available vertebrate species. In addition, this alteration is predicted to be deleterious by in silico analysis. Since supporting evidence is limited at this time, the clinical significance of this alteration remains unclear.

Literature cited by the submitters: PubMed 9693036 (cited by Labcorp Genetics (formerly Invitae), Labcorp); PubMed 10973849 (cited by Labcorp Genetics (formerly Invitae), Labcorp); PubMed 17905336 (cited by Labcorp Genetics (formerly Invitae), Labcorp); PubMed 19490272 (cited by Labcorp Genetics (formerly Invitae), Labcorp); PubMed 19841300 (cited by Labcorp Genetics (formerly Invitae), Labcorp); PubMed 23130128 (cited by Labcorp Genetics (formerly Invitae), Labcorp).